The following is an entry in ClinVar:

NM_000448.3(RAG1):c.987del (p.Ser330fs)

Variant type: Haplotype.
Coding change: c.987del on transcript NM_000448.3; coding-DNA position 987, one base deleted.
Protein change: p.Ser330fs; shifts the reading frame from serine 330.
Identifiers: ClinVar variation 624577 (VCV000624577.2).

ClinVar aggregate classification (germline): Pathogenic (0 of 4 stars; one submission).

Conditions:
Severe combined immunodeficiency, autosomal recessive, T cell-negative, B cell-negative, NK cell-positive. Also called: SCID, T CELL-NEGATIVE, B CELL-NEGATIVE, NK CELL-POSITIVE; Severe combined immunodeficiency due to complete RAG1/2 deficiency; SCID, AR, T-cell negative, B-cell negative, NK cell-positive. Identifiers: Orphanet 331206, MedGen C1832322, MONDO:0011086, OMIM 601457.

Submission:

Laboratory of Pediatric Immunoinfectivology, Tor Vergata University
Classification: Pathogenic for Severe combined immunodeficiency, autosomal recessive, T cell-negative, B cell-negative, NK cell-positive. Last evaluated: 2019-02-28. Review status: no assertion criteria provided. Collection method: clinical testing. Allele origin: germline. Affected: yes.
Comment: SCID (Severe Combined Immunodeficiency) T-, B-, NK+, reduced IgM, IgA and IgE

RAG1base: R0099

Literature cited by the submitters: DOI 10.3389/fimmu.2019.00316.